The following is an entry in ClinVar:

ClinVar aggregate classification (germline): Uncertain significance (1 of 4 stars; one submission).

Submission:

Labcorp Genetics (formerly Invitae), Labcorp
Classification: Uncertain significance. Last evaluated: 2025-09-11. Review status: criteria provided, single submitter. Criteria: Invitae Variant Classification Sherloc (09022015). Collection method: clinical testing. Allele origin: germline.
Comment: This sequence change replaces threonine, which is neutral and polar, with asparagine, which is neutral and polar, at codon 78 of the GHSR protein (p.Thr78Asn). This variant is not present in population databases (gnomAD no frequency). This variant has not been reported in the literature in individuals affected with GHSR-related conditions. ClinVar contains an entry for this variant (Variation ID: 2063057). Invitae Evidence Modeling of protein sequence and biophysical properties (such as structural, functional, and spatial information, amino acid conservation, physicochemical variation, residue mobility, and thermodynamic stability) indicates that this missense variant is expected to disrupt GHSR protein function with a positive predictive value of 80%. In summary, the available evidence is currently insufficient to determine the role of this variant in disease. Therefore, it has been classified as a Variant of Uncertain Significance.

NM_198407.2(GHSR):c.233C>A (p.Thr78Asn)

Gene: GHSR (growth hormone secretagogue receptor; minus strand). Cytogenetic location: 3q26.31.
Variant type: single nucleotide variant.
Coding change: c.233C>A on transcript NM_198407.2 (MANE Select); coding-DNA position 233, C replaced by A.
Protein change: p.Thr78Asn; replaces threonine 78 with asparagine.
Molecular consequence: missense variant.
Genome position (GRCh38, 1-based): chr3:172,448,181, G>T on the plus strand (C>A on the coding strand, the complement: GHSR is on the minus strand). VCF-style: chr3-172448181-G-T. GRCh37 (hg19) VCF-style: chr3-172165971-G-T.
Other names: c.233C>A, p.Thr78Asn (NM_004122.2); short protein forms T78N.
Identifiers: ClinVar variation 2063057 (VCV002063057.4), dbSNP rs374183783, ClinGen allele CA87785972.